The following is an entry in ClinVar:

ClinVar aggregate classification (germline): Conflicting classifications of pathogenicity. Review status: criteria provided, conflicting classifications (1 of 4 stars). 3 submissions from 3 submitters: Pathogenic (1); Likely pathogenic (1); Uncertain significance (1). Last evaluated 2024-02-16.

Conditions:
Sialuria. Also called: SIALURIA, FRENCH TYPE; Sialic Acid Storage Disease. Identifiers: Orphanet 3166, MedGen C0342853, MONDO:0010028, OMIM 269921.
GNE myopathy (NM). Also called: NONAKA DISTAL MYOPATHY; INCLUSION BODY MYOPATHY, HEREDITARY, AUTOSOMAL RECESSIVE; INCLUSION BODY MYOPATHY 2, AUTOSOMAL RECESSIVE; MYOPATHY, DISTAL, WITH OR WITHOUT RIMMED VACUOLES; IBM 2; Inclusion body myopathy autosomal recessive. Identifiers: Orphanet 602, MedGen C1853926, MONDO:0011603, OMIM 605820.
Thrombocytopenia 12 with or without myopathy (THC12). Identifiers: MedGen C5935593, MONDO:0958325, OMIM 620757.

Allele frequency attached by ClinVar (database versions not stated): gnomAD 0.00001; TOPMed 0.00001.
gnomAD v4.1: 1 of 1,614,022 alleles (0.000062%); highest among the groups gnomAD compares: East Asian, 0.0022%; no homozygotes.

Submissions (3):

Fulgent Genetics
Classification: Likely pathogenic for Sialuria; GNE myopathy; Thrombocytopenia 12 with or without myopathy. Last evaluated: 2024-02-16. Review status: criteria provided, single submitter. Criteria: ACMG Guidelines, 2015. Collection method: clinical testing. Allele origin: germline.

Labcorp Genetics (formerly Invitae), Labcorp
Classification: Pathogenic for Sialuria; GNE myopathy. Last evaluated: 2023-05-19. Review status: criteria provided, single submitter. Criteria: Invitae Variant Classification Sherloc (09022015). Collection method: clinical testing. Allele origin: germline.
Comment: This variant is not present in population databases (gnomAD no frequency). For these reasons, this variant has been classified as Pathogenic. This variant disrupts the p.Pro542 amino acid residue in GNE. Other variant(s) that disrupt this residue have been observed in individuals with GNE-related conditions (PMID: 16810679, 17718674), which suggests that this may be a clinically significant amino acid residue. Algorithms developed to predict the effect of sequence changes on RNA splicing suggest that this variant may create or strengthen a splice site. Advanced modeling of protein sequence and biophysical properties (such as structural, functional, and spatial information, amino acid conservation, physicochemical variation, residue mobility, and thermodynamic stability) has been performed at Invitae for this missense variant, however the output from this modeling did not meet the statistical confidence thresholds required to predict the impact of this variant on GNE protein function. ClinVar contains an entry for this variant (Variation ID: 598553). This missense change has been observed in individual(s) with clinical features of GNE-related myopathy (Invitae). In at least one individual the data is consistent with being in trans (on the opposite chromosome) from a pathogenic variant. This sequence change replaces proline, which is neutral and non-polar, with serine, which is neutral and polar, at codon 542 of the GNE protein (p.Pro542Ser).

Eurofins Ntd Llc (ga)
Classification: Uncertain significance. Last evaluated: 2018-08-28. Review status: criteria provided, single submitter. Criteria: EGL ClinVar v180209 classification definitions. Collection method: clinical testing. Allele origin: germline. Observed: 1 variant allele, 1 heterozygote.

Literature cited by the submitters: PubMed 16810679 (cited by Labcorp Genetics (formerly Invitae), Labcorp); PubMed 17718674 (cited by Labcorp Genetics (formerly Invitae), Labcorp).

NM_005476.7(GNE):c.1531C>T (p.Pro511Ser)

Gene: GNE (glucosamine (UDP-N-acetyl)-2-epimerase/N-acetylmannosamine kinase; minus strand). Cytogenetic location: 9p13.3.
Variant type: single nucleotide variant.
Coding change: c.1531C>T on transcript NM_005476.7 (MANE Select); coding-DNA position 1531, C replaced by T.
Protein change: p.Pro511Ser; replaces proline 511 with serine.
Molecular consequence: missense variant. On other transcripts: intron variant (1).
Genome position (GRCh38, 1-based): chr9:36,222,879, G>A on the plus strand (C>T on the coding strand, the complement: GNE is on the minus strand). VCF-style: chr9-36222879-G-A. GRCh37 (hg19) VCF-style: chr9-36222876-G-A.
Other names: c.1624C>T, p.Pro542Ser (NM_001128227.3); c.1201C>T, p.Pro401Ser (NM_001190384.3); c.1354C>T, p.Pro452Ser (NM_001190388.2, NM_001374798.1); c.1378C>T, p.Pro460Ser (NM_001374797.1); c.1411+494C>T (NM_001190383.3); short protein forms P511S, P542S, P401S, P452S, P460S.
Identifiers: ClinVar variation 598553 (VCV000598553.14), dbSNP rs966918577, ClinGen allele CA192843515.